The following is an entry in ClinVar:

NM_015272.5(RPGRIP1L):c.3780C>T (p.Val1260=)

Gene: RPGRIP1L (RPGRIP1 like; minus strand). Cytogenetic location: 16q12.2.
Variant type: single nucleotide variant.
Coding change: c.3780C>T on transcript NM_015272.5 (MANE Select); coding-DNA position 3780, C replaced by T.
Protein change: p.Val1260=; no amino-acid change (valine 1260 retained).
Molecular consequence: synonymous variant.
Genome position (GRCh38, 1-based): chr16:53,605,536, G>A on the plus strand (C>T on the coding strand, the complement: RPGRIP1L is on the minus strand). VCF-style: chr16-53605536-G-A. GRCh37 (hg19) VCF-style: chr16-53639448-G-A.
Other names: c.3780C>T (NM_015272.4); c.3540C>T, p.Val1180= (NM_001127897.4); c.3642C>T, p.Val1214= (NM_001308334.3); c.3678C>T, p.Val1226= (NM_001330538.2).
Identifiers: ClinVar variation 695800 (VCV000695800.15), dbSNP rs144924117, ClinGen allele CA8057181.

ClinVar aggregate classification (germline): Likely benign. Review status: criteria provided, multiple submitters, no conflicts (2 of 4 stars). 4 submissions from 4 submitters: Likely benign (2). 2 of the submissions do not count toward it. Last evaluated 2026-01-26.

Conditions:
RPGRIP1L-related disorder. Also called: RPGRIP1L-related condition; RPGRIP1L-related disorders. Identifiers: MedGen CN239416.
Joubert syndrome. Also called: Familial aplasia of the vermis; JOUBERT-BOLTSHAUSER SYNDROME. Identifiers: Orphanet 475, MedGen C5979921, MONDO:0018772.
Meckel-Gruber syndrome. Also called: DYSENCEPHALIA SPLANCHNOCYSTICA; GRUBER SYNDROME; Dysencephalia splachnocystica. Identifiers: Orphanet 564, MedGen C0265215, MONDO:0018921.

Allele frequency attached by ClinVar (database versions not stated): 1000 Genomes Project 30x 0.00016; 1000 Genomes Project 0.00020; gnomAD exomes 0.00023 and 0.00047; ExAC 0.00025; gnomAD 0.00025; TOPMed 0.00026; ESP Exome Variant Server 0.00069.
gnomAD v4.1: 728 of 1,614,086 alleles (0.045%); highest among the groups gnomAD compares: Non-Finnish European, 0.057%; no homozygotes.

Submissions (4):

Labcorp Genetics (formerly Invitae), Labcorp
Classification: Likely benign for Joubert syndrome; Meckel-Gruber syndrome. Last evaluated: 2026-01-26. Review status: criteria provided, single submitter. Criteria: Invitae Variant Classification Sherloc (09022015). Collection method: clinical testing. Allele origin: germline.

Blueprint Genetics
Classification: Likely benign. Last evaluated: 2024-11-22. Review status: criteria provided, single submitter. Criteria: ACMG Guidelines, 2015. Collection method: clinical testing. Allele origin: germline.

Natera, Inc.
Classification: Likely benign for Joubert syndrome. Last evaluated: 2020-06-05. Review status: no assertion criteria provided. Collection method: clinical testing. Allele origin: germline. Not counted in ClinVar's aggregate classification.

PreventionGenetics, part of Exact Sciences
Classification: Likely benign for RPGRIP1L-related condition. Last evaluated: 2019-09-17. Review status: no assertion criteria provided. Collection method: clinical testing. Allele origin: germline. Not counted in ClinVar's aggregate classification.
Comment: This variant is classified as likely benign based on ACMG/AMP sequence variant interpretation guidelines (Richards et al. 2015 PMID: 25741868, with internal and published modifications).